The following is an entry in ClinVar:

ClinVar aggregate classification (germline): Uncertain significance (1 of 4 stars; one submission).

Submission:

Ambry Genetics
Classification: Uncertain significance. Last evaluated: 2024-04-16. Review status: criteria provided, single submitter. Criteria: Ambry Variant Classification Scheme 2023. Collection method: clinical testing. Allele origin: germline.
Comment: The p.S36T variant (also known as c.106T>A), located in coding exon 1 of the ALPK2 gene, results from a T to A substitution at nucleotide position 106. The serine at codon 36 is replaced by threonine, an amino acid with similar properties. This amino acid position is conserved. In addition, this alteration is predicted to be tolerated by in silico analysis. Based on the available evidence, the clinical significance of this variant remains unclear.

NM_052947.4(ALPK2):c.106T>A (p.Ser36Thr)

Gene: ALPK2 (alpha kinase 2; minus strand). Cytogenetic location: 18q21.32.
Variant type: single nucleotide variant.
Coding change: c.106T>A on transcript NM_052947.4 (MANE Select); coding-DNA position 106, T replaced by A.
Protein change: p.Ser36Thr; replaces serine 36 with threonine.
Molecular consequence: missense variant.
Genome position (GRCh38, 1-based): chr18:58,611,692, A>T on the plus strand (T>A on the coding strand, the complement: ALPK2 is on the minus strand). VCF-style: chr18-58611692-A-T. GRCh37 (hg19) VCF-style: chr18-56278924-A-T.
Other names: short protein forms S36T.
Identifiers: ClinVar variation 3290071 (VCV003290071.1).